The following is an entry in ClinVar:

ClinVar aggregate classification (germline): Likely benign. Review status: criteria provided, multiple submitters, no conflicts (2 of 4 stars). 8 submissions from 8 submitters: Likely benign (7). 1 of the submissions does not count toward it. Last evaluated 2025-10-01.

Conditions:
Cardiomyopathy (CMYO). Also called: Cardiomyopathies. Identifiers: Orphanet 167848, MedGen C0878544, MONDO:0004994, HP:0001638. Inheritance: Various modes of inheritance.
TTN-related disorder. Also called: TTN-related disorders; TTN-related condition; TTN-related disease.
Cardiovascular phenotype. Identifiers: MedGen CN230736.
Autosomal recessive limb-girdle muscular dystrophy type 2J (LGMDR10). Also called: Limb-girdle muscular dystrophy, type 2J; MUSCULAR DYSTROPHY, LIMB-GIRDLE, AUTOSOMAL RECESSIVE 10. Identifiers: Orphanet 140922, MedGen C1837342, MONDO:0012127, OMIM 608807.
Dilated cardiomyopathy 1G (CMD1G). Identifiers: Orphanet 154, MedGen C1858763, MONDO:0011400, OMIM 604145.

Allele frequency attached by ClinVar (database versions not stated): gnomAD 0.00006 and 0.00005; gnomAD exomes 0.00006 and 0.00028; TOPMed 0.00007; ExAC 0.00008; ESP Exome Variant Server 0.00008.
gnomAD v4.1: 409 of 1,609,862 alleles (0.025%); highest among the groups gnomAD compares: Non-Finnish European, 0.033%; no homozygotes.

Submissions (8):

Labcorp Genetics (formerly Invitae), Labcorp
Classification: Likely benign for Dilated cardiomyopathy 1G; Autosomal recessive limb-girdle muscular dystrophy type 2J. Last evaluated: 2025-10-01. Review status: criteria provided, single submitter. Criteria: Invitae Variant Classification Sherloc (09022015). Collection method: clinical testing. Allele origin: germline.

Blueprint Genetics
Classification: Likely benign. Last evaluated: 2024-05-23. Review status: criteria provided, single submitter. Criteria: ACMG Guidelines, 2015. Collection method: clinical testing. Allele origin: germline.

CHEO Genetics Diagnostic Laboratory, Children's Hospital of Eastern Ontario
Classification: Likely benign for Cardiomyopathy. Last evaluated: 2021-11-10. Review status: criteria provided, single submitter. Criteria: ACMG Guidelines, 2015. Collection method: clinical testing. Allele origin: germline.

Ambry Genetics
Classification: Likely benign for Cardiovascular phenotype. Last evaluated: 2019-11-19. Review status: criteria provided, single submitter. Criteria: Ambry Variant Classification Scheme 2023. Collection method: clinical testing. Allele origin: germline.

GeneDx
Classification: Likely benign. Last evaluated: 2018-10-08. Review status: criteria provided, single submitter. Criteria: GeneDx Variant Classification Process June 2021. Collection method: clinical testing. Allele origin: germline. Affected: yes.

Laboratory for Molecular Medicine, Mass General Brigham Personalized Medicine
Classification: Likely benign. Last evaluated: 2015-04-27. Review status: criteria provided, single submitter. Criteria: LMM Criteria. Collection method: clinical testing. Allele origin: germline. Observed: 1 variant allele.
Comment: p.Phe19225Phe in exon 261 of TTN: This variant is not expected to have clinical significance because it does not alter an amino acid residue and is not located within the splice consensus sequence. It has been identified in 6/52706 European chromosomes by the Exome Aggregation Consortium (ExAC; dbSNP rs377017745).

Breakthrough Genomics
Classification: Likely benign. Review status: criteria provided, single submitter. Criteria: ACMG Guidelines, 2015. Collection method: not provided. Allele origin: germline. Inheritance: Autosomal recessive inheritance. Affected: yes.

PreventionGenetics, part of Exact Sciences
Classification: Likely benign for TTN-related condition. Last evaluated: 2019-11-05. Review status: no assertion criteria provided. Collection method: clinical testing. Allele origin: germline. Not counted in ClinVar's aggregate classification.
Comment: This variant is classified as likely benign based on ACMG/AMP sequence variant interpretation guidelines (Richards et al. 2015 PMID: 25741868, with internal and published modifications).

NM_001267550.2(TTN):c.65379C>T (p.Phe21793=)

Genes: TTN (titin; minus strand), TTN-AS1 (TTN antisense RNA 1; plus strand). Cytogenetic location: 2q31.2.
Variant type: single nucleotide variant.
Coding change: c.65379C>T on transcript NM_001267550.2 (MANE Select); coding-DNA position 65379, C replaced by T.
Protein change: p.Phe21793=; no amino-acid change (phenylalanine 21793 retained).
Molecular consequence: synonymous variant. On other transcripts: non-coding transcript variant (1).
Genome position (GRCh38, 1-based): chr2:178,583,803, G>A on the plus strand (C>T on the coding strand, the complement: TTN is on the minus strand). VCF-style: chr2-178583803-G-A. GRCh37 (hg19) VCF-style: chr2-179448530-G-A.
Other names: c.60456C>T, p.Phe20152= (NM_001256850.1); c.57675C>T, p.Phe19225= (NM_133378.4); c.38184C>T, p.Phe12728= (NM_003319.4); c.38559C>T, p.Phe12853= (NM_133432.3); c.38760C>T, p.Phe12920= (NM_133437.4).
Identifiers: ClinVar variation 228127 (VCV000228127.24), dbSNP rs377017745, ClinGen allele CA1991717.